The following is an entry in ClinVar:

ClinVar aggregate classification (germline): Uncertain significance. Review status: criteria provided, multiple submitters, no conflicts (2 of 4 stars). 2 submissions from 2 submitters: Uncertain significance (2). Last evaluated 2025-07-14.

Conditions:
Fanconi anemia (FA). Also called: Fanconi's anemia. Identifiers: Orphanet 84, MedGen C0015625, MeSH D005199, MONDO:0019391.

Submissions (2):

Labcorp Genetics (formerly Invitae), Labcorp
Classification: Uncertain significance for Fanconi anemia. Last evaluated: 2025-07-14. Review status: criteria provided, single submitter. Criteria: Invitae Variant Classification Sherloc (09022015). Collection method: clinical testing. Allele origin: germline.
Comment: This variant, c.4552_4553ins96, results in the insertion of 32 amino acid(s) of the FANCM protein (p.Glu1517_Leu1518ins32), but otherwise preserves the integrity of the reading frame. This variant is not present in population databases (gnomAD no frequency). This variant has not been reported in the literature in individuals affected with FANCM-related conditions. ClinVar contains an entry for this variant (Variation ID: 1810024). Experimental studies and prediction algorithms are not available or were not evaluated, and the functional significance of this variant is currently unknown. In summary, the available evidence is currently insufficient to determine the role of this variant in disease. Therefore, it has been classified as a Variant of Uncertain Significance.

GeneDx
Classification: Uncertain significance. Last evaluated: 2022-07-01. Review status: criteria provided, single submitter. Criteria: GeneDx Variant Classification Process June 2021. Collection method: clinical testing. Allele origin: germline. Affected: yes.
Comment: In-frame insertion of 32 amino acids in a non-repeat region; Not observed at significant frequency in large population cohorts (gnomAD); Has not been previously published as pathogenic or benign to our knowledge

NM_020937.4(FANCM):c.4552_4553insGGCCGGGCGCGGTGGCTCACGCCTGTAATCCCAGCACTTTGGGAGGCCGAGGCGGGTGGATCATGAGGTCAGGAGATCGAGATGATGAAGCAGAAC (p.Glu1517_Leu1518insArgProGlyAlaValAlaHisAlaCysAsnProSerThrLeuGlyGlyArgGlyGlyTrpIleMetArgSerGlyAspArgAspAspGluAlaGlu)

Gene: FANCM (FA complementation group M; plus strand). Cytogenetic location: 14q21.2.
Variant type: Insertion.
Coding change: c.4552_4553insGGCCGGGCGCGGTGGCTCACGCCTGTAATCCCAGCACTTTGGGAGGCCGAGGCGGGTGGATCATGAGGTCAGGAGATCGAGATGATGAAGCAGAAC on transcript NM_020937.4 (MANE Select); coding-DNA positions 4552 to 4553, GGCCGGGCGCGGTGGCTCACGCCTGTAATCCCAGCACTTTGGGAGGCCGAGGCGGGTGGATCATGAGGTCAGGAGATCGAGATGATGAAGCAGAAC inserted.
Protein change: p.Glu1517_Leu1518insArgProGlyAlaValAlaHisAlaCysAsnProSerThrLeuGlyGlyArgGlyGlyTrpIleMetArgSerGlyAspArgAspAspGluAlaGlu.
Molecular consequence: inframe insertion.
Genome position: GRCh38: chr14:45,185,253-45,185,254. GRCh37 (hg19): chr14:45,654,456-45,654,457.
Other names: c.4474_4475insGGCCGGGCGCGGTGGCTCACGCCTGTAATCCCAGCACTTTGGGAGGCCGAGGCGGGTGGATCATGAGGTCAGGAGATCGAGATGATGAAGCAGAAC, p.Glu1491_Leu1492insArgProGlyAlaValAlaHisAlaCysAsnProSerThrLeuGlyGlyArgGlyGlyTrpIleMetArgSerGlyAspArgAspAspGluAlaGlu (NM_001308133.2).
Identifiers: ClinVar variation 1810024 (VCV001810024.4), dbSNP rs2503228333, ClinGen allele CA2580088128.